The following is an entry in ClinVar:

NM_005802.5(TOPORS):c.2550_2553del (p.Asp850fs)

Gene: TOPORS (TOP1 binding arginine/serine rich protein, E3 ubiquitin ligase; minus strand). Cytogenetic location: 9p21.1.
Variant type: Microsatellite.
Coding change: c.2550_2553del on transcript NM_005802.5 (MANE Select); coding-DNA positions 2550 to 2553, 4 bases deleted (CAGA; older notation c.2550_2553delCAGA).
Protein change: p.Asp850fs; shifts the reading frame from aspartic acid 850.
Molecular consequence: frameshift variant.
Genome position (GRCh38, 1-based): chr9:32,541,972-32,541,975, TCTG deleted on the plus strand (CAGA on the coding strand, the reverse complement: TOPORS is on the minus strand); deleting any 4 consecutive bases within chr9:32,541,972-32,541,979 gives the same sequence; the c. name uses the placement nearest the transcript's 3' end. VCF-style (leftmost placement, unchanged base first): chr9-32541971-CTCTG-C. GRCh37 (hg19) VCF-style: chr9-32541969-CTCTG-C.
Other names: c.2550_2553delCAGA (NM_005802.4); c.2355_2358del, p.Asp785fs (NM_001195622.2); short protein forms D785fs, D850fs.
Identifiers: ClinVar variation 560511 (VCV000560511.12), dbSNP rs1563983151, ClinGen allele CA658821678.

ClinVar aggregate classification (germline): Pathogenic/Likely pathogenic. Review status: criteria provided, multiple submitters, no conflicts (2 of 4 stars). 5 submissions from 5 submitters: Pathogenic (2); Likely pathogenic (1). 2 of the submissions do not count toward it. Last evaluated 2024-11-15.

Conditions:
TOPORS-related disorder. Also called: TOPORS-related condition.
Retinitis pigmentosa 31 (RP31). Identifiers: Orphanet 791, MedGen C1835923, MONDO:0012367, OMIM 609923.

Submissions (5):

Blueprint Genetics
Classification: Pathogenic for TOPORS-related disorders. Last evaluated: 2024-11-15. Review status: criteria provided, single submitter. Criteria: ACMG Guidelines, 2015. Collection method: clinical testing. Allele origin: germline. Affected: yes. Observed: 4 variant alleles.

Labcorp Genetics (formerly Invitae), Labcorp
Classification: Pathogenic. Last evaluated: 2024-05-22. Review status: criteria provided, single submitter. Criteria: Invitae Variant Classification Sherloc (09022015). Collection method: clinical testing. Allele origin: germline.
Comment: This sequence change creates a premature translational stop signal (p.Asp850Glufs*15) in the TOPORS gene. While this is not anticipated to result in nonsense mediated decay, it is expected to disrupt the last 196 amino acid(s) of the TOPORS protein. This variant is not present in population databases (gnomAD no frequency). This premature translational stop signal has been observed in individuals with retinitis pigmentosa (PMID: 24265693, 35579903; Invitae). ClinVar contains an entry for this variant (Variation ID: 560511). This variant is located in a region of the TOPORS protein where a significant number of TOPORS nonsense and frameshift mutations have been reported in association with autosomal dominant retinitis pigmentosa (PMID: 35579903, 17924349, 32531858). For these reasons, this variant has been classified as Pathogenic.

Institute of Human Genetics, University of Leipzig Medical Center
Classification: Likely pathogenic for Retinitis pigmentosa 31. Last evaluated: 2019-01-01. Review status: criteria provided, single submitter. Criteria: ACMG Guidelines, 2015. Collection method: clinical testing. Allele origin: unknown. Affected: yes.

Joint Genome Diagnostic Labs from Nijmegen and Maastricht, Radboudumc and MUMC+
Classification: Pathogenic for Retinitis pigmentosa 31. Last evaluated: 2016-09-01. Review status: no assertion criteria provided. Collection method: clinical testing. Allele origin: inherited. Affected: yes. Observed: 1 variant allele. Not counted in ClinVar's aggregate classification.

OMIM
Classification: Pathogenic for RETINITIS PIGMENTOSA 31. Last evaluated: 2014-10-01. Review status: no assertion criteria provided. Collection method: literature only. Allele origin: germline. Not counted in ClinVar's aggregate classification.

Literature cited by the submitters: PubMed 24265693 (cited by Labcorp Genetics (formerly Invitae), Labcorp); PubMed 35579903 (cited by Labcorp Genetics (formerly Invitae), Labcorp and OMIM); PubMed 17924349 (cited by Labcorp Genetics (formerly Invitae), Labcorp); PubMed 32531858 (cited by Labcorp Genetics (formerly Invitae), Labcorp); PubMed 24938718 (cited by OMIM).